The following is an entry in ClinVar:

NM_198252.3(GSN):c.1171_1191+1del

Gene: GSN (gelsolin; plus strand). Cytogenetic location: 9q33.2.
Variant type: Deletion.
Coding change: c.1171_1191+1del on transcript NM_198252.3 (MANE Select); coding-DNA position 1171 through the canonical splice donor site of the intron after coding-DNA position 1191, 22 bases deleted (GATGGCACAGGCCAGAAACAGG).
Molecular consequence: splice donor variant.
Genome position (GRCh38, 1-based): chr9:121,318,860-121,318,881, GATGGCACAGGCCAGAAACAGG deleted. VCF-style (leftmost placement, unchanged base first): chr9-121318859-CGATGGCACAGGCCAGAAACAGG-C. GRCh37 (hg19) VCF-style: chr9-124081137-CGATGGCACAGGCCAGAAACAGG-C.
Other names: c.1171_1191+1del (NM_001353054.1, NM_001353053.1, NM_001353060.2 and 10 more transcripts); c.1204_1224+1del (NM_001353064.2, NM_001353066.2, NM_001353073.2 and 13 more transcripts); c.1279_1299+1del (NM_001127663.2); c.1243_1263+1del (NM_001353076.2); c.517_537+1del (NM_001353078.2); c.1222_1242+1del (NM_001258029.2); c.1195_1215+1del (NM_001258030.2); c.1324_1344+1del (NM_000177.5).
Identifiers: ClinVar variation 3649655 (VCV003649655.2).

ClinVar aggregate classification (germline): Uncertain significance (1 of 4 stars; one submission).

Submission:

Labcorp Genetics (formerly Invitae), Labcorp
Classification: Uncertain significance. Last evaluated: 2024-04-12. Review status: criteria provided, single submitter. Criteria: Invitae Variant Classification Sherloc (09022015). Collection method: clinical testing. Allele origin: germline.
Comment: This variant results in the deletion of part of exon 9 (c.1324_1344+1del) of the GSN gene. It is expected to disrupt RNA splicing. Variants that disrupt the donor or acceptor splice site typically lead to a loss of protein function (PMID: 16199547), however the current clinical and genetic evidence is not sufficient to establish whether loss-of-function variants in GSN cause disease. This variant is not present in population databases (gnomAD no frequency). This variant has not been reported in the literature in individuals affected with GSN-related conditions. In summary, the available evidence is currently insufficient to determine the role of this variant in disease. Therefore, it has been classified as a Variant of Uncertain Significance.

Literature cited by the submitters: PubMed 16199547.